The following is an entry in ClinVar:

NM_004370.6(COL12A1):c.3491G>A (p.Gly1164Glu)

Gene: COL12A1 (collagen type XII alpha 1 chain; minus strand). Cytogenetic location: 6q13.
Variant type: single nucleotide variant.
Coding change: c.3491G>A on transcript NM_004370.6 (MANE Select); coding-DNA position 3491, G replaced by A.
Protein change: p.Gly1164Glu; replaces glycine 1164 with glutamic acid.
Molecular consequence: missense variant. On other transcripts: intron variant (2).
Genome position (GRCh38, 1-based): chr6:75,154,490, C>T on the plus strand (G>A on the coding strand, the complement: COL12A1 is on the minus strand). VCF-style: chr6-75154490-C-T. GRCh37 (hg19) VCF-style: chr6-75864206-C-T.
Other names: c.3491G>A, p.Gly1164Glu (NM_001424113.1, NM_001424114.1); c.3218G>A, p.Gly1073Glu (NM_001424115.1); c.74-2008G>A (NM_001424116.1, NM_080645.3); short protein forms G1073E, G1164E.
Identifiers: ClinVar variation 2940257 (VCV002940257.3), dbSNP rs2533413129, ClinGen allele CA364751331.

ClinVar aggregate classification (germline): Uncertain significance (1 of 4 stars; one submission).

Conditions:
Ullrich congenital muscular dystrophy 2 (UCMD2). Identifiers: Orphanet 75840, MedGen C4225314, MONDO:0014654, OMIM 616470.
Bethlem myopathy 2 (BTHLM2). Identifiers: Orphanet 536516, Orphanet 610, MedGen C4225313, MONDO:0034022, OMIM 616471.

Allele frequency attached by ClinVar (database versions not stated): gnomAD exomes below 0.00001.
gnomAD v4.1: 2 of 1,610,354 alleles (0.00012%); highest among the groups gnomAD compares: Non-Finnish European, 0.000085%; no homozygotes.

Submission:

Labcorp Genetics (formerly Invitae), Labcorp
Classification: Uncertain significance for Bethlem myopathy 2; Ullrich congenital muscular dystrophy 2. Last evaluated: 2024-03-30. Review status: criteria provided, single submitter. Criteria: Invitae Variant Classification Sherloc (09022015). Collection method: clinical testing. Allele origin: germline.
Comment: This sequence change replaces glycine, which is neutral and non-polar, with glutamic acid, which is acidic and polar, at codon 1164 of the COL12A1 protein (p.Gly1164Glu). This variant is not present in population databases (gnomAD no frequency). This variant has not been reported in the literature in individuals affected with COL12A1-related conditions. Advanced modeling of protein sequence and biophysical properties (such as structural, functional, and spatial information, amino acid conservation, physicochemical variation, residue mobility, and thermodynamic stability) has been performed at Invitae for this missense variant, however the output from this modeling did not meet the statistical confidence thresholds required to predict the impact of this variant on COL12A1 protein function. In summary, the available evidence is currently insufficient to determine the role of this variant in disease. Therefore, it has been classified as a Variant of Uncertain Significance.